The following is an entry in ClinVar:

NM_000051.4(ATM):c.4521T>G (p.Thr1507=)

Gene: ATM (ATM serine/threonine kinase; plus strand). Cytogenetic location: 11q22.3.
Variant type: single nucleotide variant.
Coding change: c.4521T>G on transcript NM_000051.4 (MANE Select); coding-DNA position 4521, T replaced by G.
Protein change: p.Thr1507=; no amino-acid change (threonine 1507 retained).
Molecular consequence: synonymous variant.
Genome position (GRCh38, 1-based): chr11:108,292,703, T>G. VCF-style: chr11-108292703-T-G. GRCh37 (hg19) VCF-style: chr11-108163430-T-G.
Other names: c.4521T>G, p.Thr1507= (NM_001351834.2).
Identifiers: ClinVar variation 490573 (VCV000490573.16), dbSNP rs1555099885, ClinGen allele CA476674183.
Genomic context (GRCh38, chr11:108,292,703, plus strand): 5'-ATTACGTAGCTTCTCCCTTTGTTGTGACTTATTAAGTCAGGTTTGCCAGACAGCCGTGAC[T>G]TACTGTAAGGATGCTCTAGAAAACCATCTTCATGTTATTGTTGGTACACTTATACCCCTT-3'
Protein context (NP_000042.3, residues 1497-1517): LLSQVCQTAV[Thr1507=]YCKDALENHL

ClinVar aggregate classification (germline): Benign/Likely benign. Review status: criteria provided, multiple submitters, no conflicts (2 of 4 stars). 4 submissions from 4 submitters: Benign (1); Likely benign (3). Last evaluated 2025-08-30.

Conditions:
Hereditary cancer-predisposing syndrome. Also called: Tumor predisposition; Neoplastic Syndromes, Hereditary; Hereditary Cancer Syndrome; Hereditary neoplastic syndrome. Identifiers: Orphanet 140162, MedGen C0027672, MeSH D009386, MONDO:0015356.
Familial cancer of breast. Also called: BREAST CANCER, FAMILIAL; hereditary breast carcinoma; Hereditary breast cancer. Identifiers: Orphanet 227535, MedGen C0346153, MONDO:0016419, OMIM 114480. Disease mechanism: loss of function.
Ataxia-telangiectasia syndrome (AT). Also called: Ataxia-telangiectasia; Ataxia-telangiectasia, complementation group D; AT, COMPLEMENTATION GROUP C; LOUIS-BAR SYNDROME; Cerebello-oculocutaneous telangiectasia; Immunodeficiency with ataxia telangiectasia. Identifiers: Orphanet 100, MedGen C0004135, MONDO:0008840, OMIM 208900.

Submissions (4):

Labcorp Genetics (formerly Invitae), Labcorp
Classification: Likely benign for Ataxia-telangiectasia syndrome. Last evaluated: 2025-08-30. Review status: criteria provided, single submitter. Criteria: Invitae Variant Classification Sherloc (09022015). Collection method: clinical testing. Allele origin: germline.

Myriad Genetics, Inc.
Classification: Benign for Familial cancer of breast. Last evaluated: 2024-05-20. Review status: criteria provided, single submitter. Criteria: Myriad Autosomal Dominant, Autosomal Recessive and X-Linked Classification Criteria (2023). Collection method: clinical testing. Allele origin: unknown.
Comment: This variant is considered benign. This variant is a silent/synonymous amino acid change and it is not expected to impact splicing.

Color Diagnostics, LLC DBA Color Health
Classification: Likely benign for Hereditary cancer-predisposing syndrome. Last evaluated: 2017-09-05. Review status: criteria provided, single submitter. Criteria: ACMG Guidelines, 2015. Collection method: clinical testing. Allele origin: germline.

Ambry Genetics
Classification: Likely benign for Hereditary cancer-predisposing syndrome. Last evaluated: 2015-10-26. Review status: criteria provided, single submitter. Criteria: Ambry Variant Classification Scheme 2023. Collection method: clinical testing. Allele origin: germline.